The following is an entry in ClinVar:

ClinVar aggregate classification (germline): Pathogenic. Review status: criteria provided, multiple submitters, no conflicts (2 of 4 stars). 2 submissions from 2 submitters: Pathogenic (2). Last evaluated 2024-09-22.

Conditions:
Dubin-Johnson syndrome (DJS). Also called: HYPERBILIRUBINEMIA, DUBIN-JOHNSON TYPE; Jaundice, Chronic Idiopathic; Hyperbilirubinemia type 2. Identifiers: Orphanet 234, MedGen C0022350, MONDO:0009380, OMIM 237500.

Submissions (2):

Genomic Medicine Center of Excellence, King Faisal Specialist Hospital and Research Centre
Classification: Pathogenic for Dubin-Johnson syndrome. Last evaluated: 2024-09-22. Review status: criteria provided, single submitter. Criteria: ACMG Guidelines, 2015. Collection method: clinical testing. Allele origin: germline.

Labcorp Genetics (formerly Invitae), Labcorp
Classification: Pathogenic. Last evaluated: 2023-06-22. Review status: criteria provided, single submitter. Criteria: Invitae Variant Classification Sherloc (09022015). Collection method: clinical testing. Allele origin: germline.
Comment: The frequency data for this variant in the population databases is considered unreliable, as metrics indicate poor data quality at this position in the gnomAD database. This sequence change creates a premature translational stop signal (p.Lys298Glufs*36) in the ABCC2 gene. It is expected to result in an absent or disrupted protein product. Loss-of-function variants in ABCC2 are known to be pathogenic (PMID: 9185779, 16549534, 16952291). For these reasons, this variant has been classified as Pathogenic. This variant has not been reported in the literature in individuals affected with ABCC2-related conditions.

Literature cited by the submitters: PubMed 9185779 (cited by Labcorp Genetics (formerly Invitae), Labcorp); PubMed 16549534 (cited by Labcorp Genetics (formerly Invitae), Labcorp); PubMed 16952291 (cited by Labcorp Genetics (formerly Invitae), Labcorp).

NM_000392.5(ABCC2):c.890dup (p.Lys298fs)

Gene: ABCC2 (ATP binding cassette subfamily C member 2; plus strand). Cytogenetic location: 10q24.2.
Variant type: Duplication.
Coding change: c.890dup on transcript NM_000392.5 (MANE Select); coding-DNA position 890, one base duplicated (A; older notation c.890dupA).
Protein change: p.Lys298fs; shifts the reading frame from lysine 298.
Molecular consequence: frameshift variant.
Genome position (GRCh38, 1-based): chr10:99,799,229, A duplicated; the last of 8 consecutive A bases (chr10:99,799,222-99,799,229); duplicating any one gives the same sequence. VCF-style (leftmost placement, unchanged base first): chr10-99799221-G-GA. GRCh37 (hg19) VCF-style: chr10-101558978-G-GA.
Other names: short protein forms K298fs.
Identifiers: ClinVar variation 2990445 (VCV002990445.5), dbSNP rs759781877, ClinGen allele CA5643026.